The following is an entry in ClinVar:

NM_001379286.1(ZNF423):c.2952A>G (p.Glu984=)

Gene: ZNF423 (zinc finger protein 423; minus strand). Cytogenetic location: 16q12.1.
Variant type: single nucleotide variant.
Coding change: c.2952A>G on transcript NM_001379286.1 (MANE Select); coding-DNA position 2952, A replaced by G.
Protein change: p.Glu984=; no amino-acid change (glutamic acid 984 retained).
Molecular consequence: synonymous variant.
Genome position (GRCh38, 1-based): chr16:49,636,224, T>C on the plus strand (A>G on the coding strand, the complement: ZNF423 is on the minus strand). VCF-style: chr16-49636224-T-C. GRCh37 (hg19) VCF-style: chr16-49670135-T-C.
Other names: c.2928A>G (NM_015069.4); c.2748A>G, p.Glu916= (NM_001271620.2); c.2577A>G, p.Glu859= (NM_001330533.2); c.2928A>G, p.Glu976= (NM_015069.5).
Identifiers: ClinVar variation 1151978 (VCV001151978.12), dbSNP rs1288323161, ClinGen allele CA495444891.

ClinVar aggregate classification (germline): Likely benign. Review status: criteria provided, multiple submitters, no conflicts (2 of 4 stars). 3 submissions from 3 submitters: Likely benign (2). 1 of the submissions does not count toward it. Last evaluated 2024-09-23.

Conditions:
ZNF423-related disorder. Also called: ZNF423-related condition.
Nephronophthisis 14 (NPHP14). Identifiers: Orphanet 2318, MedGen C3539071, MONDO:0013916, OMIM 614844.

Allele frequency attached by ClinVar (database versions not stated): gnomAD exomes below 0.00001 and 0.00001; TOPMed below 0.00001.
gnomAD v4.1: 6 of 1,613,144 alleles (0.00037%); highest among the groups gnomAD compares: Non-Finnish European, 0.00042%; no homozygotes.

Submissions (3):

Labcorp Genetics (formerly Invitae), Labcorp
Classification: Likely benign for Nephronophthisis 14. Last evaluated: 2024-09-23. Review status: criteria provided, single submitter. Criteria: Invitae Variant Classification Sherloc (09022015). Collection method: clinical testing. Allele origin: germline.

Blueprint Genetics
Classification: Likely benign. Last evaluated: 2019-12-31. Review status: criteria provided, single submitter. Criteria: ACMG Guidelines, 2015. Collection method: clinical testing. Allele origin: germline.

PreventionGenetics, part of Exact Sciences
Classification: Likely benign for ZNF423-related condition. Last evaluated: 2019-04-24. Review status: no assertion criteria provided. Collection method: clinical testing. Allele origin: germline. Not counted in ClinVar's aggregate classification.
Comment: This variant is classified as likely benign based on ACMG/AMP sequence variant interpretation guidelines (Richards et al. 2015 PMID: 25741868, with internal and published modifications).